The following is an entry in ClinVar:

ClinVar aggregate classification (germline): Likely benign (1 of 4 stars; one submission).

Allele frequency attached by ClinVar (database versions not stated): 1000 Genomes Project 30x 0.00078; 1000 Genomes Project 0.00080; TOPMed 0.00104; gnomAD 0.00133; ExAC 0.00148; ESP Exome Variant Server 0.00200.
gnomAD v4.1: 2,999 of 1,614,012 alleles (0.19%); highest among the groups gnomAD compares: Non-Finnish European, 0.21%; 6 homozygotes.

Submission:

CeGaT Center for Human Genetics Tuebingen
Classification: Likely benign. Last evaluated: 2022-09-01. Review status: criteria provided, single submitter. Criteria: CeGaT Center For Human Genetics Tuebingen Variant Classification Criteria Version 2. Collection method: clinical testing. Allele origin: germline. Affected: yes. Observed: 1 variant allele.
Comment: FAM167A: BP4, BP7

NM_053279.3(FAM167A):c.600C>T (p.Gly200=)

Genes: FAM167A (family with sequence similarity 167 member A), FAM167A-AS1 (FAM167A antisense RNA 1). Cytogenetic location: 8p23.1.
Variant type: single nucleotide variant.
Coding change: c.600C>T on transcript NM_053279.3 (MANE Select); coding-DNA position 600, C replaced by T.
Protein change: p.Gly200=; no amino-acid change (glycine 200 retained).
Molecular consequence: synonymous variant.
Genome position (GRCh38, 1-based): chr8:11,424,418, G>A on the plus strand (C>T on the coding strand, the complement: FAM167A is on the minus strand). VCF-style: chr8-11424418-G-A. GRCh37 (hg19) VCF-style: chr8-11281927-G-A.
Identifiers: ClinVar variation 2658403 (VCV002658403.24), dbSNP rs141292162, ClinGen allele CA4629272.